The following is an entry in ClinVar:

NM_006767.4(LZTR1):c.658C>T (p.Gln220Ter)

Gene: LZTR1 (leucine zipper like post translational regulator 1; plus strand). Cytogenetic location: 22q11.21.
Variant type: single nucleotide variant.
Coding change: c.658C>T on transcript NM_006767.4 (MANE Select); coding-DNA position 658, C replaced by T.
Protein change: p.Gln220Ter; replaces glutamine 220 with a stop codon.
Molecular consequence: nonsense.
Genome position (GRCh38, 1-based): chr22:20,990,392, C>T. VCF-style: chr22-20990392-C-T. GRCh37 (hg19) VCF-style: chr22-21344681-C-T.
Other names: short protein forms Q220*.
Identifiers: ClinVar variation 996239 (VCV000996239.11), dbSNP rs749437251, ClinGen allele CA10118584.

ClinVar aggregate classification (germline): Pathogenic/Likely pathogenic. Review status: criteria provided, multiple submitters, no conflicts (2 of 4 stars). 5 submissions from 5 submitters: Pathogenic (3); Likely pathogenic (2). Last evaluated 2026-04-09.

Conditions:
Hereditary cancer-predisposing syndrome. Also called: Neoplastic Syndromes, Hereditary; Hereditary Cancer Syndrome; Hereditary neoplastic syndrome; Tumor predisposition. Identifiers: Orphanet 140162, MedGen C0027672, MeSH D009386, MONDO:0015356.
Cardiovascular phenotype. Identifiers: MedGen CN230736.
Schwannomatosis. Identifiers: Orphanet 93921, MedGen C1335929, MeSH C536641, MONDO:0008075.
LZTR1-related schwannomatosis. Also called: Schwannomatosis 2; Schwannomatosis-2, susceptibility to. Identifiers: Orphanet 93921, MedGen C3810283, MONDO:0014299, OMIM 615670.

Allele frequency attached by ClinVar (database versions not stated): gnomAD 0.00002 and 0.00001; gnomAD exomes 0.00001; ExAC 0.00001.
gnomAD v4.1: 5 of 1,613,970 alleles (0.00031%); highest among the groups gnomAD compares: South Asian, 0.0011%; no homozygotes.

Submissions (5):

GeneDx
Classification: Likely pathogenic. Last evaluated: 2026-04-09. Review status: criteria provided, single submitter. Criteria: GeneDx Variant Classification Process June 2021. Collection method: clinical testing. Allele origin: germline.
Comment: Nonsense variant predicted to result in protein truncation or nonsense mediated decay in a gene for which loss of function is a known mechanism of disease; Not observed at significant frequency in large population cohorts (gnomAD); Has not been previously published as pathogenic or benign to our knowledge

Labcorp Genetics (formerly Invitae), Labcorp
Classification: Pathogenic. Last evaluated: 2025-12-06. Review status: criteria provided, single submitter. Criteria: Invitae Variant Classification Sherloc (09022015). Collection method: clinical testing. Allele origin: germline.
Comment: This sequence change creates a premature translational stop signal (p.Gln220*) in the LZTR1 gene. It is expected to result in an absent or disrupted protein product. Loss-of-function variants in LZTR1 are known to be pathogenic (PMID: 24362817, 25335493, 25480913, 25795793, 29469822, 30368668, 30442762, 30442766, 30481304, 30859559). This variant is present in population databases (rs749437251, gnomAD 0.004%). This variant has not been reported in the literature in individuals affected with LZTR1-related conditions. ClinVar contains an entry for this variant (Variation ID: 996239). For these reasons, this variant has been classified as Pathogenic.

Women's Health and Genetics/Laboratory Corporation of America, LabCorp
Classification: Pathogenic for Schwannomatosis. Last evaluated: 2024-07-19. Review status: criteria provided, single submitter. Criteria: LabCorp Variant Classification Summary - May 2015. Collection method: clinical testing. Allele origin: germline.
Comment: Variant summary: LZTR1 c.658C>T (p.Gln220X) results in a premature termination codon, predicted to cause a truncation of the encoded protein or absence of the protein due to nonsense mediated decay, which are commonly known mechanisms for disease. The variant allele was found at a frequency of 8e-06 in 251286 control chromosomes. To our knowledge, no occurrence of c.658C>T in individuals affected with LZTR1-related conditions and no experimental evidence demonstrating its impact on protein function have been reported. ClinVar contains an entry for this variant (Variation ID: 996239). Germline loss of function mutations in LZTR1 have been reported to predispose to an inherited disorder of multiple schwannomas (Piotrowski_2014) and recessive Noonan syndrome (Johnston_2018). Based on the evidence outlined above, the variant was classified as pathogenic for the risk of multiple schwannomas and recessive Noonan syndrome.

Ambry Genetics
Classification: Pathogenic for Cardiovascular phenotype; Hereditary cancer-predisposing syndrome. Last evaluated: 2024-01-26. Review status: criteria provided, single submitter. Criteria: Ambry Variant Classification Scheme 2023. Collection method: clinical testing. Allele origin: germline.
Comment: The p.Q220* pathogenic mutation (also known as c.658C>T), located in coding exon 8 of the LZTR1 gene, results from a C to T substitution at nucleotide position 658. This changes the amino acid from a glutamine to a stop codon within coding exon 8. Loss-of-function variants in LZTR1 are related to an increased risk for schwannomas and autosomal recessive Noonan syndrome; however, such associations with autosomal dominant Noonan syndrome have not been observed (Piotrowski A et al. Nat Genet. 2014 Feb;46:182-7; Yamamoto GL et al. J Med Genet. 2015 Jun;52:413-21; Johnston JJ et al. Genet Med. 2018 10;20:1175-1185). This alteration is expected to result in loss of function by premature protein truncation or nonsense-mediated mRNA decay. Based on the supporting evidence, this variant is pathogenic for an increased risk of LZTR1-related schwannomatosis (SWN) and would be expected to cause autosomal recessive Noonan syndrome when present along with a second pathogenic or likely pathogenic variant on the other allele; however, the association of this alteration with autosomal dominant Noonan syndrome is unlikely.

Baylor Genetics
Classification: Likely pathogenic for LZTR1-related schwannomatosis. Last evaluated: 2023-06-30. Review status: criteria provided, single submitter. Criteria: ACMG Guidelines, 2015. Collection method: clinical testing. Allele origin: unknown.

Literature cited by the submitters: PubMed 24362817 (cited by Labcorp Genetics (formerly Invitae), Labcorp); PubMed 25335493 (cited by Labcorp Genetics (formerly Invitae), Labcorp); PubMed 25480913 (cited by Labcorp Genetics (formerly Invitae), Labcorp); PubMed 25795793 (cited by Labcorp Genetics (formerly Invitae), Labcorp); PubMed 29469822 (cited by Labcorp Genetics (formerly Invitae), Labcorp); PubMed 30368668 (cited by Labcorp Genetics (formerly Invitae), Labcorp); PubMed 30442762 (cited by Labcorp Genetics (formerly Invitae), Labcorp); PubMed 30442766 (cited by Labcorp Genetics (formerly Invitae), Labcorp); PubMed 30481304 (cited by Labcorp Genetics (formerly Invitae), Labcorp); PubMed 30859559 (cited by Labcorp Genetics (formerly Invitae), Labcorp).